The following is an entry in ClinVar:

NM_003383.5(VLDLR):c.*180G>A

Gene: VLDLR (very low density lipoprotein receptor; plus strand). Cytogenetic location: 9p24.2.
Variant type: single nucleotide variant.
Coding change: c.*180G>A on transcript NM_003383.5 (MANE Select); 180 bases downstream of the stop codon, G replaced by A.
Molecular consequence: 3 prime UTR variant.
Genome position (GRCh38, 1-based): chr9:2,654,048, G>A. VCF-style: chr9-2654048-G-A. GRCh37 (hg19) VCF-style: chr9-2654048-G-A.
Other names: c.*180G>A (NM_001018056.3, NM_001322225.2, NM_001322226.2).
Identifiers: ClinVar variation 366379 (VCV000366379.8), dbSNP rs3421, ClinGen allele CA10633300.

ClinVar aggregate classification (germline): Benign. Review status: criteria provided, multiple submitters, no conflicts (2 of 4 stars). 3 submissions from 3 submitters: Benign (3). Last evaluated 2018-06-26.

Conditions:
Cerebellar ataxia, impaired intellectual development, and dysequilibrium syndrome 1. Also called: Cerebellar hypoplasia and mental retardation with or without quadrupedal locomotion 1; Cerebellar ataxia, mental retardation, and dysequilibrium syndrome 1; Cerebellar ataxia, intellectual disability, and dysequilibrium syndrome 1; VLDLR Cerebellar Hypoplasia; CEREBELLAR ATAXIA AND MENTAL RETARDATION WITH OR WITHOUT QUADRUPEDAL LOCOMOTION 1; CEREBELLAR ATAXIA, CONGENITAL, AND MENTAL RETARDATION, AUTOSOMAL RECESSIVE. Identifiers: Orphanet 1766, MedGen C4551552, MONDO:0024542, OMIM 224050.

Allele frequency attached by ClinVar (database versions not stated): gnomAD 0.09945 and 0.10555; 1000 Genomes Project 30x 0.09572; 1000 Genomes Project 0.09046; gnomAD exomes 0.03814; TOPMed 0.10887.

Submissions (3):

GeneDx
Classification: Benign. Last evaluated: 2018-06-26. Review status: criteria provided, single submitter. Criteria: GeneDx Variant Classification Process June 2021. Collection method: clinical testing. Allele origin: germline. Affected: yes.

Illumina Laboratory Services, Illumina
Classification: Benign for Cerebellar ataxia, impaired intellectual development, and dysequilibrium syndrome 1. Last evaluated: 2018-01-13. Review status: criteria provided, single submitter. Criteria: ICSL Variant Classification Criteria 13 December 2019. Collection method: clinical testing. Allele origin: germline.
Comment: This variant was observed in the ICSL laboratory as part of a predisposition screen in an ostensibly healthy population. It had not been previously curated by ICSL or reported in the Human Gene Mutation Database (HGMD: prior to June 1st, 2018), and was therefore a candidate for classification through an automated scoring system. Utilizing variant allele frequency, disease prevalence and penetrance estimates, and inheritance mode, an automated score was calculated to assess if this variant is too frequent to cause the disease. Based on the score and internal cut-off values, a variant classified as benign is not then subjected to further curation. The score for this variant resulted in a classification of benign for this disease.

Breakthrough Genomics
Classification: Benign. Review status: criteria provided, single submitter. Criteria: ACMG Guidelines, 2015. Collection method: not provided. Allele origin: germline. Inheritance: Autosomal recessive inheritance. Affected: yes.